The following is an entry in ClinVar:

NM_004086.3(COCH):c.1312C>T (p.Arg438Cys)

Genes: COCH (cochlin; plus strand), COCH-AS1 (COCH antisense RNA 1; minus strand). Cytogenetic location: 14q12.
Variant type: single nucleotide variant.
Coding change: c.1312C>T on transcript NM_004086.3 (MANE Select); coding-DNA position 1312, C replaced by T.
Protein change: p.Arg438Cys; replaces arginine 438 with cysteine.
Molecular consequence: missense variant. On other transcripts: non-coding transcript variant (1).
Genome position (GRCh38, 1-based): chr14:30,886,147, C>T. VCF-style: chr14-30886147-C-T. GRCh37 (hg19) VCF-style: chr14-31355353-C-T.
Other names: c.1312C>T, p.Arg438Cys (NM_001135058.2); c.1507C>T, p.Arg503Cys (NM_001347720.2); short protein forms R438C, R503C.
Identifiers: ClinVar variation 4986433 (VCV004986433.1).

ClinVar aggregate classification (germline): Likely pathogenic (1 of 4 stars; one submission).

Conditions:
COCH-related disorder. Also called: COCH-related condition.

gnomAD v4.1: 4 of 1,612,362 alleles (0.00025%); highest among the groups gnomAD compares: Admixed American, 0.0017%; no homozygotes.

Submission:

PreventionGenetics, part of Exact Sciences
Classification: Likely pathogenic for COCH-related condition. Last evaluated: 2026-03-31. Review status: criteria provided, single submitter. Criteria: ACMG Guidelines, 2015. Collection method: clinical testing. Allele origin: germline.
Comment: The COCH c.1312C>T variant is predicted to result in the amino acid substitution p.Arg438Cys. This variant segregated with autosomal dominant nonsyndromic hearing loss in 14 individuals from a single large family and was characterized as having an average age of onset of 33 years (Smits et al. 2021. PubMed ID: 33710989). This variant is reported in 0.0029% of alleles in individuals of Latino descent in gnomAD. This variant is interpreted as likely pathogenic.